The following is an entry in ClinVar:

ClinVar aggregate classification (germline): Uncertain significance (1 of 4 stars; one submission).

Conditions:
IFT172-related disorder. Also called: IFT172-related disorders; IFT172-related condition.

gnomAD v4.1: 1 of 1,614,236 alleles (0.000062%); highest among the groups gnomAD compares: South Asian, 0.0011%; no homozygotes.

Submission:

PreventionGenetics, part of Exact Sciences
Classification: Uncertain significance for IFT172-related condition. Last evaluated: 2026-05-30. Review status: criteria provided, single submitter. Criteria: ACMG Guidelines, 2015. Collection method: clinical testing. Allele origin: germline.
Comment: The IFT172 c.3184G>A variant is predicted to result in the amino acid substitution p.Val1062Met. To our knowledge, this variant has not been reported in the literature or in a large population database (gnomAD), indicating this variant is rare. At this time, the clinical significance of this variant is uncertain due to the absence of conclusive functional and genetic evidence.

NM_015662.3(IFT172):c.3184G>A (p.Val1062Met)

Gene: IFT172 (intraflagellar transport 172; minus strand). Cytogenetic location: 2p23.3.
Variant type: single nucleotide variant.
Coding change: c.3184G>A on transcript NM_015662.3 (MANE Select); coding-DNA position 3184, G replaced by A.
Protein change: p.Val1062Met; replaces valine 1062 with methionine.
Molecular consequence: missense variant.
Genome position (GRCh38, 1-based): chr2:27,457,683, C>T on the plus strand (G>A on the coding strand, the complement: IFT172 is on the minus strand). VCF-style: chr2-27457683-C-T. GRCh37 (hg19) VCF-style: chr2-27680550-C-T.
Other names: c.3118G>A, p.Val1040Met (NM_001410739.1); short protein forms V1040M, V1062M.
Identifiers: ClinVar variation 4997669 (VCV004997669.1).
Genomic context (GRCh38, chr2:27,457,683, plus strand): 5'-GGCCTGAACTCCTTACCCTGTAGGCCTCTTCCCAAAGCCCACTGGCCCGGTACATGTTCA[C>T]TGTTGCCTTCCATTCCTGGGCCTCGAGGTAGTGGTACTCAGCCTCCTGTAGTCGGCCTTC-3'
Protein context (NP_056477.1, residues 1052-1072): YLEAQEWKAT[Val1062Met]NMYRASGLWE